The following is an entry in ClinVar:

ClinVar aggregate classification (germline): Likely pathogenic (1 of 4 stars; one submission).

Conditions:
MTOR-related disorder. Also called: MTOR-related condition.

Submission:

Daryl Scott Lab, Baylor College of Medicine
Classification: Likely pathogenic for MTOR-related disorder. Last evaluated: 2025-08-25. Review status: criteria provided, single submitter. Criteria: ACMG Guidelines, 2015. Collection method: clinical testing. Allele origin: de novo. Affected: yes. Observed: 1 heterozygote.
Comment: PS2, PM2, PP3

NM_004958.4(MTOR):c.6306C>A (p.Asp2102Glu)

Gene: MTOR (mechanistic target of rapamycin kinase; minus strand). Cytogenetic location: 1p36.22.
Variant type: single nucleotide variant.
Coding change: c.6306C>A on transcript NM_004958.4 (MANE Select); coding-DNA position 6306, C replaced by A.
Protein change: p.Asp2102Glu; replaces aspartic acid 2102 with glutamic acid.
Molecular consequence: missense variant.
Genome position (GRCh38, 1-based): chr1:11,127,055, G>T on the plus strand (C>A on the coding strand, the complement: MTOR is on the minus strand). VCF-style: chr1-11127055-G-T. GRCh37 (hg19) VCF-style: chr1-11187112-G-T.
Other names: c.6306C>A, p.Asp2102Glu (NM_001386500.1); c.5058C>A, p.Asp1686Glu (NM_001386501.1); short protein forms D1686E, D2102E.
Identifiers: ClinVar variation 4279701 (VCV004279701.1).